The following is an entry in ClinVar:

ClinVar aggregate classification (germline): Uncertain significance (1 of 4 stars; one submission).

Submission:

GeneDx
Classification: Uncertain significance. Last evaluated: 2023-02-08. Review status: criteria provided, single submitter. Criteria: GeneDx Variant Classification Process June 2021. Collection method: clinical testing. Allele origin: germline. Affected: yes.
Comment: Not observed at significant frequency in large population cohorts (gnomAD); In silico analysis suggests this variant may impact gene splicing. In the absence of RNA/functional studies, the actual effect of this sequence change is unknown.; Has not been previously published as pathogenic or benign to our knowledge

NM_001330288.2(SMARCC2):c.2850+4A>G

Gene: SMARCC2 (SWI/SNF related BAF chromatin remodeling complex subunit C2; minus strand). Cytogenetic location: 12q13.2.
Variant type: single nucleotide variant.
Coding change: c.2850+4A>G on transcript NM_001330288.2 (MANE Select); 4 bases into the intron after coding-DNA position 2850, A replaced by G.
Molecular consequence: intron variant.
Genome position (GRCh38, 1-based): chr12:56,168,056, T>C on the plus strand (A>G on the coding strand, the complement: SMARCC2 is on the minus strand). VCF-style: chr12-56168056-T-C. GRCh37 (hg19) VCF-style: chr12-56561840-T-C.
Other names: c.2757+4A>G (NM_003075.5); c.2850+4A>G (NM_139067.4, NM_001130420.3).
Identifiers: ClinVar variation 2575782 (VCV002575782.1), dbSNP rs2540859437, ClinGen allele CA2517082138.